The following is an entry in ClinVar:

NM_000202.8(IDS):c.1080_1081insGAATAA (p.Phe361delinsGluTer)

Genes: IDS (iduronate 2-sulfatase; minus strand), LOC106050102 (IDS recombination region; plus strand). Cytogenetic location: Xq28.
Variant type: Insertion.
Coding change: c.1080_1081insGAATAA on transcript NM_000202.8 (MANE Select); coding-DNA positions 1080 to 1081, GAATAA inserted.
Protein change: p.Phe361delinsGluTer.
Molecular consequence: nonsense.
Genome position: GRCh38 VCF-style: chrX-149487024-A-ATTATTC. GRCh37 (hg19) VCF-style: chrX-148568555-A-ATTATTC.
Other names: c.810_811insGAATAA, p.Phe271delinsGluTer (NM_001166550.4).
Identifiers: ClinVar variation 1326863 (VCV001326863.2), dbSNP rs2124006012, ClinGen allele CA2573055126.

ClinVar aggregate classification (germline): Likely pathogenic (0 of 4 stars; one submission).

Conditions:
Mucopolysaccharidosis, MPS-II (MPS2). Also called: Attenuated MPS (subtype; formerly known as mild MPS II); Severe MPS II; I2S deficiency; MPS 2; Hunter Syndrome; IDURONATE 2-SULFATASE DEFICIENCY. Identifiers: Orphanet 580, Orphanet 79388, MedGen C0026705, MONDO:0010674, OMIM 309900.

Submission:

Lifecell International Pvt. Ltd
Classification: Likely pathogenic for Mucopolysaccharidosis, MPS-II. Review status: no assertion criteria provided. Collection method: clinical testing. Allele origin: germline. Inheritance: X-linked recessive inheritance. Affected: yes. Observed: 1 hemizygote.
Comment: The stop gained NM_000202.8 (IDS):c.1080_1081insGAATAA (p.Ile360_Phe361insGluTer) has not been reported previously as a pathogenic variant nor as a benign variant, to our knowledge. The p.Ile360_Phe361insGluTer variant is novel (not in any individuals) in gnomAD. The p.Ile360_Phe361insGluTer variant is novel (not in any individuals) in 1kG. This variant is predicted to cause loss of normal protein function through protein truncation. This variant is a stop gained variant which occurs in an exon of IDS upstream of where nonsense mediated decay is predicted to occur. There are 10 downstream pathogenic loss of function variants, with the furthest variant being 170 residues downstream of this variant. This indicates that the region is critical to protein function. The gene IDS has a low rate of benign loss of function variants as indicated by a low upper bound of the observed/expected confidence interval 0.18. The p.Ile360_Phe361insGluTer variant is a loss of function variant in the gene IDS, which is intolerant of Loss of Function variants, as indicated by the presence of existing pathogenic loss of function variant NP_000193.1:p.R8* and 49 others. The variant is predicted to be disease causing by mutation taster and is present in the Sulfatase domain of IDS_HUMAN protein. For these reasons, this variant has been classified as Likely Pathogenic.